The following continues an entry in ClinVar:

NM_002055.5(GFAP):c.715C>T (p.Arg239Cys)

Gene: GFAP. ClinVar aggregate classification (germline): Pathogenic. Pathogenic (1).

Submissions 8 to 16 of 16:

Illumina Laboratory Services, Illumina
Classification: Pathogenic for Alexander disease. Last evaluated: 2021-03-26. Review status: criteria provided, single submitter. Criteria: ICSLVariantClassificationCriteria RUGD 01 April 2020. Collection method: clinical testing. Allele origin: unknown. Not counted in ClinVar's aggregate classification.
Comment: The GFAP c.715C>T (p.Arg239Cys) variant is a missense variant that is well-described as a recurrent pathogenic variant in patients with infantile- and juvenile-onset Alexander disease (Srivastava et al. 2002). Across a selection of the available literature, the p.Arg239Cys variant has been identified in a heterozygous state in 14 individuals with Alexander disease, with symptom onset ranging from six months to seven years of age (Brenner et al. 2001; Rodriguez et al. 2001; Zang et al. 2013; Jany et al. 2015). When family studies were performed, the p.Arg239Cys variant was determined to have occurred de novo (Brenner et al. 2001; Rodriguez et al. 2001; Zang et al. 2013). While many patients with the p.Arg239Cys variant are described to have a severe phenotype, the reported clinical features are variable. Of the eight patients described in Brenner et al. (2001) and Rodriguez et al. (2001), three had macrocephaly (details were not provided for the other patients), three were alive with disease duration ranging from 1.5-6.5 years, and five were deceased with disease duration ranging from 3.5-10 years. In the cohort described by Jany et al. (2015), cognition ranged from normal to severe intellectual disability. Other reported variable features included failure to thrive, emesis, swallowing difficulties, dysarthria, urinary incontinence, gait deterioration, and intermittent ataxia, among others. The p.Arg239Cys variant was absent from two individuals with non-Alexander disease leukodystrophy and from 53 control individuals without neurologic disease (Brenner et al. 2001), and is not found in the Genome Aggregation Database despite good sequencing coverage, so the variant is presumed to be rare. The p.Arg239Cys variant has been shown to affect GFAP solubility and the organization of GFAP networks (Hsiao et al. 2005). Western blotting and whole-cell patch clamp recordings have also suggested that glutamate uptake is reduced in variant-expressing astrocytes (Tian et al. 2010). This effect may play an important role in the pathogenesis of neuronal and oligodendrocyte injury and death in Alexander disease, as neurons co-cultured with astrocytes expressing the variant protein exhibited higher rates of death following glutamate challenge. Based on the collective evidence, the p.Arg239Cys variant is classified as pathogenic for Alexander disease.

Genetics and Molecular Pathology, SA Pathology
Classification: Pathogenic for Alexander disease. Last evaluated: 2021-02-01. Review status: criteria provided, single submitter. Criteria: ACMG Guidelines, 2015. Collection method: clinical testing. Allele origin: germline. Inheritance: Autosomal dominant inheritance. Affected: yes. Not counted in ClinVar's aggregate classification.

Revvity Omics, Revvity
Classification: Pathogenic for Alexander disease. Last evaluated: 2019-03-14. Review status: criteria provided, single submitter. Criteria: ACMG Guidelines, 2015. Collection method: clinical testing. Allele origin: germline. Not counted in ClinVar's aggregate classification.

Neuberg Centre For Genomic Medicine, NCGM
Classification: Pathogenic for Alexander disease. Review status: criteria provided, single submitter. Criteria: ACMG Guidelines, 2015. Collection method: clinical testing. Allele origin: germline. Inheritance: Autosomal dominant inheritance. Affected: yes. Not counted in ClinVar's aggregate classification.
Comment: The GFAP c.715C>T (p.Arg239Cys) variant has been reported previously in association with Alexander disease (Li et al., 2002). Functional studies indicate R239C affects the stability of GFAP protein, altering the normal solubility and organization of GFAP networks, and leading to compromised glutamate transport in astrocytes (Hsia et al., 2005). The p.Arg239Cys variant is novel (not in any individuals) in gnomAD Exomes and 1000 Genomes. This variant has been submitted to ClinVar as Pathogenic. The amino acid Arg at position 239 is changed to a Cys changing protein sequence and it might alter its composition and physico-chemical properties. The amino acid change p.Arg239Cys in GFAP is predicted as conserved by GERP++ and PhyloP across 100 vertebrates. For these reasons, this variant has been classified as Pathogenic.

Rady Children's Institute for Genomic Medicine, Rady Children's Hospital San Diego
Classification: Pathogenic for ALEXANDER DISEASE. Review status: criteria provided, single submitter. Criteria: ACMG Guidelines, 2015. Collection method: clinical testing. Allele origin: germline. Affected: yes. Not counted in ClinVar's aggregate classification.
Comment: This recurrent pathogenic variant has been previously reported in multiple individuals with Alexander disease (PMID: 20301351, 26478912, 23364391, 11567214, 11138011, 11587071, 15732098, 34146839). Experimental evidence suggests that the c.715C>T (p.Arg239Cys) variant affects the stability of the GFAP protein and compromises glutamate transport in astrocytes (PMID: 20448479, 15840648). The c.715C>T (p.Arg239Cys) variant is absent from the gnomAD population database and thus is presumed to be rare. It affects a highly conserved amino acid and is predicted by multiple in silico tools to have a deleterious effect on protein function. Based on the available evidence, the c.715C>T (p.Arg239Cys) variant is classified as Pathogenic.

PreventionGenetics, part of Exact Sciences
Classification: Pathogenic for GFAP-related condition. Last evaluated: 2024-05-28. Review status: no assertion criteria provided. Collection method: clinical testing. Allele origin: germline. Not counted in ClinVar's aggregate classification.
Comment: The GFAP c.715C>T variant is predicted to result in the amino acid substitution p.Arg239Cys. The variant is considered as the most common pathogenic variant for Alexander Disease, and in vitro functional studies suggest that the p.Arg239Cys variant may impair the filament organization, decrease solubility of GFAP, and affect glutamate transport (Hsiao et al. 2005. PubMed: 15840648; Tian et al. 2010. PubMed: 20448479). Of note, several other missense variants, affecting the same amino acid residue (p.Arg239Gly, p.Arg239His, p.Arg239Pro and p.Arg239Leu) have been reported to be causative for Alexander disease (Osorio et al. 2012 PubMed: 21940697; Brenner et al. 2001. PubMed: 11138011; Meins et al. 2002. PubMed: 12368989; Lee et al. 2006. PubMed: 17043438). This variant has not been reported in a large population database, indicating this variant is rare. This variant is interpreted as pathogenic.

OMIM
Classification: Pathogenic for ALEXANDER DISEASE. Last evaluated: 2005-03-01. Review status: no assertion criteria provided. Collection method: literature only. Allele origin: germline. Not counted in ClinVar's aggregate classification.

Epithelial Biology;  Institute of Medical Biology, Singapore
No classification provided. Review status: no classification provided. Collection method: not provided. Allele origin: not provided. Not counted in ClinVar's aggregate classification.

GeneReviews
No classification provided. Condition: Alexander disease. Review status: no classification provided. Collection method: literature only. Allele origin: germline. Not counted in ClinVar's aggregate classification.

Literature cited by the submitters: PubMed 11138011 (cited by 6 submitters); PubMed 11567214 (cited by 4 submitters); PubMed 18276609 (cited by Women's Health and Genetics/Laboratory Corporation of America, LabCorp); PubMed 19386454 (cited by Victorian Clinical Genetics Services, Murdoch Childrens Research Institute); PubMed 30355500 (cited by Victorian Clinical Genetics Services, Murdoch Childrens Research Institute); PubMed 31484723 (cited by Victorian Clinical Genetics Services, Murdoch Childrens Research Institute); PubMed 15840648 (cited by Illumina Laboratory Services, Illumina); PubMed 20301351 (cited by Illumina Laboratory Services, Illumina); PubMed 20448479 (cited by Illumina Laboratory Services, Illumina); PubMed 23364391 (cited by Illumina Laboratory Services, Illumina); PubMed 26478912 (cited by Illumina Laboratory Services, Illumina); PubMed 11587071 (cited by OMIM); PubMed 15732097 (cited by OMIM and GeneReviews); NCBI Bookshelf NBK1172 (cited by GeneReviews); PubMed 12368989 (cited by GeneReviews); PubMed 12026242 (cited by GeneReviews); PubMed 12034785 (cited by GeneReviews); PubMed 15675360 (cited by GeneReviews); PubMed 21572052 (cited by GeneReviews); PubMed 12638020 (cited by GeneReviews); PubMed 21533827 (cited by GeneReviews); PubMed 12581808 (cited by GeneReviews); PubMed 15732098 (cited by GeneReviews).